The following is an entry in ClinVar:

ClinVar aggregate classification (germline): Benign. Review status: criteria provided, multiple submitters, no conflicts (2 of 4 stars). 2 submissions from 2 submitters: Benign (2). Last evaluated 2018-01-13.

Conditions:
Fraser syndrome 2 (FRASRS2). Identifiers: MedGen C4540036, MONDO:0054738, OMIM 617666.

Allele frequency attached by ClinVar (database versions not stated): 1000 Genomes Project 0.06749; 1000 Genomes Project 30x 0.07011; TOPMed 0.07411.

Submissions (2):

Illumina Laboratory Services, Illumina
Classification: Benign for Fraser syndrome 2. Last evaluated: 2018-01-13. Review status: criteria provided, single submitter. Criteria: ICSL Variant Classification Criteria 13 December 2019. Collection method: clinical testing. Allele origin: germline.
Comment: This variant was observed in the ICSL laboratory as part of a predisposition screen in an ostensibly healthy population. It had not been previously curated by ICSL or reported in the Human Gene Mutation Database (HGMD: prior to June 1st, 2018), and was therefore a candidate for classification through an automated scoring system. Utilizing variant allele frequency, disease prevalence and penetrance estimates, and inheritance mode, an automated score was calculated to assess if this variant is too frequent to cause the disease. Based on the score and internal cut-off values, a variant classified as benign is not then subjected to further curation. The score for this variant resulted in a classification of benign for this disease.

Breakthrough Genomics
Classification: Benign. Review status: criteria provided, single submitter. Criteria: ACMG Guidelines, 2015. Collection method: not provided. Allele origin: germline. Inheritance: Autosomal recessive inheritance. Affected: yes.

NM_207361.6(FREM2):c.*1467G>A

Gene: FREM2 (FRAS1 related extracellular matrix 2; plus strand). Cytogenetic location: 13q13.3.
Variant type: single nucleotide variant.
Coding change: c.*1467G>A on transcript NM_207361.6 (MANE Select); 1467 bases downstream of the stop codon, G replaced by A.
Molecular consequence: 3 prime UTR variant.
Genome position (GRCh38, 1-based): chr13:38,882,254, G>A. VCF-style: chr13-38882254-G-A. GRCh37 (hg19) VCF-style: chr13-39456391-G-A.
Identifiers: ClinVar variation 312053 (VCV000312053.6), dbSNP rs9548523, ClinGen allele CA10634303.